The following is an entry in ClinVar:

NM_004960.4(FUS):c.1436_1453dup (p.Tyr484_Arg485insHisAspArgGlyGlyTyr)

Gene: FUS (FUS RNA binding protein; plus strand). Cytogenetic location: 16p11.2.
Variant type: Duplication.
Coding change: c.1436_1453dup on transcript NM_004960.4 (MANE Select); coding-DNA positions 1436 to 1453, 18 bases duplicated (ATGATCGAGGCGGCTACC).
Protein change: p.Tyr484_Arg485insHisAspArgGlyGlyTyr.
Molecular consequence: inframe insertion. On other transcripts: non-coding transcript variant (1).
Genome position (GRCh38, 1-based): chr16:31,191,005-31,191,022, ATGATCGAGGCGGCTACC duplicated. VCF-style (leftmost placement, unchanged base first): chr16-31191004-T-TATGATCGAGGCGGCTACC. GRCh37 (hg19) VCF-style: chr16-31202325-T-TATGATCGAGGCGGCTACC.
Other names: c.1433_1450dup, p.Tyr483_Arg484insHisAspArgGlyGlyTyr (NM_001170634.1); c.1424_1441dup, p.Tyr480_Arg481insHisAspArgGlyGlyTyr (NM_001170937.1).
Identifiers: ClinVar variation 3759891 (VCV003759891.2).

ClinVar aggregate classification (germline): Uncertain significance (1 of 4 stars; one submission).

Conditions:
Amyotrophic lateral sclerosis type 6. Also called: FUS-Related Amyotrophic Laterial Sclerosis; AMYOTROPHIC LATERAL SCLEROSIS 6 WITHOUT FRONTOTEMPORAL DEMENTIA; Amyotrophic lateral sclerosis 6, with or without frontotemporal dementia. Identifiers: Orphanet 275872, Orphanet 803, MedGen C2931786, MONDO:0011951, OMIM 608030.
Tremor, hereditary essential, 4 (ETM4). Identifiers: MedGen C3539195, MONDO:0013888, OMIM 614782.

Submission:

Labcorp Genetics (formerly Invitae), Labcorp
Classification: Uncertain significance for Tremor, hereditary essential, 4; Amyotrophic lateral sclerosis type 6. Last evaluated: 2024-12-26. Review status: criteria provided, single submitter. Criteria: Invitae Variant Classification Sherloc (09022015). Collection method: clinical testing. Allele origin: germline.
Comment: This variant, c.1436_1453dup, results in the insertion of 6 amino acid(s) of the FUS protein (p.Tyr484_Arg485insHisAspArgGlyGlyTyr), but otherwise preserves the integrity of the reading frame. This variant is not present in population databases (gnomAD no frequency). This variant has not been reported in the literature in individuals affected with FUS-related conditions. In summary, the available evidence is currently insufficient to determine the role of this variant in disease. Therefore, it has been classified as a Variant of Uncertain Significance.